The following is an entry in ClinVar:

ClinVar aggregate classification (germline): Pathogenic (1 of 4 stars; one submission).

Allele frequency attached by ClinVar (database versions not stated): gnomAD 0.00001; TOPMed 0.00001.
gnomAD v4.1: 2 of 1,551,856 alleles (0.00013%); highest among the groups gnomAD compares: Non-Finnish European, 0.00017%; no homozygotes.

Submission:

Labcorp Genetics (formerly Invitae), Labcorp
Classification: Pathogenic. Last evaluated: 2022-03-19. Review status: criteria provided, single submitter. Criteria: Invitae Variant Classification Sherloc (09022015). Collection method: clinical testing. Allele origin: germline.
Comment: This variant is not present in population databases (gnomAD no frequency). For these reasons, this variant has been classified as Pathogenic. This variant has not been reported in the literature in individuals affected with UNC80-related conditions. This sequence change creates a premature translational stop signal (p.Arg1064*) in the UNC80 gene. It is expected to result in an absent or disrupted protein product. Loss-of-function variants in UNC80 are known to be pathogenic (PMID: 26545877, 26708751, 26708753).

Literature cited by the submitters: PubMed 26545877; PubMed 26708751; PubMed 26708753.

NM_001371986.1(UNC80):c.3190C>T (p.Arg1064Ter)

Gene: UNC80 (unc-80 subunit of NALCN channel complex; plus strand). Cytogenetic location: 2q34.
Variant type: single nucleotide variant.
Coding change: c.3190C>T on transcript NM_001371986.1 (MANE Select); coding-DNA position 3190, C replaced by T.
Protein change: p.Arg1064Ter; replaces arginine 1064 with a stop codon.
Molecular consequence: nonsense.
Genome position (GRCh38, 1-based): chr2:209,839,370, C>T. VCF-style: chr2-209839370-C-T. GRCh37 (hg19) VCF-style: chr2-210704094-C-T.
Other names: c.3190C>T, p.Arg1064Ter (NM_032504.2); c.3175C>T, p.Arg1059Ter (NM_182587.4); short protein forms R1064*, R1059*.
Identifiers: ClinVar variation 1357323 (VCV001357323.6), dbSNP rs1035839091, ClinGen allele CA64685153.